The following is an entry in ClinVar:

ClinVar aggregate classification (germline): Benign/Likely benign. Review status: criteria provided, multiple submitters, no conflicts (2 of 4 stars). 6 submissions from 6 submitters: Benign (1); Likely benign (5). Last evaluated 2025-07-30.

Conditions:
Breast and/or ovarian cancer. Identifiers: MedGen CN221562.
Hereditary nonpolyposis colorectal neoplasms. Identifiers: MedGen C0009405, MeSH D003123.
Hereditary cancer-predisposing syndrome. Also called: Hereditary neoplastic syndrome; Tumor predisposition; Hereditary Cancer Syndrome; Neoplastic Syndromes, Hereditary. Identifiers: Orphanet 140162, MedGen C0027672, MeSH D009386, MONDO:0015356.
Lynch syndrome. Identifiers: Orphanet 144, MedGen C4552100, MONDO:0005835. Disease mechanism: loss of function.
Lynch syndrome 5 (LYNCH5). Also called: Colorectal cancer, hereditary nonpolyposis, type 5; Hereditary non-polyposis colorectal cancer, type 5. Identifiers: Orphanet 144, MedGen C1833477, MONDO:0013710, OMIM 614350. Disease mechanism: loss of function.

Allele frequency attached by ClinVar (database versions not stated): gnomAD exomes below 0.00001.
gnomAD v4.1: 1 of 1,614,108 alleles (0.000062%); highest among the groups gnomAD compares: Non-Finnish European, 0.000085%; no homozygotes.

Submissions (6):

Labcorp Genetics (formerly Invitae), Labcorp
Classification: Likely benign for Hereditary nonpolyposis colorectal neoplasms. Last evaluated: 2025-07-30. Review status: criteria provided, single submitter. Criteria: Invitae Variant Classification Sherloc (09022015). Collection method: clinical testing. Allele origin: germline.

Myriad Genetics, Inc.
Classification: Benign for Lynch syndrome 5. Last evaluated: 2024-12-26. Review status: criteria provided, single submitter. Criteria: Myriad Autosomal Dominant, Autosomal Recessive and X-Linked Classification Criteria (2023). Collection method: clinical testing. Allele origin: unknown.
Comment: This variant is considered benign. This variant is a silent/synonymous amino acid change and it is not expected to impact splicing.

All of Us Research Program, National Institutes of Health
Classification: Likely benign for Lynch syndrome. Last evaluated: 2023-10-27. Review status: criteria provided, single submitter. Criteria: ACMG Guidelines, 2015. Collection method: clinical testing. Allele origin: germline. Inheritance: Autosomal dominant inheritance. Observed: 1 variant allele, 1 heterozygote.
Comment: This study involves interpretation of variants in research participants for the purpose of population health screening. Participant phenotype was not available at the time of variant classification. Additional details can be found in publication PMID: 35346344, PMCID: PMC8962531

CHEO Genetics Diagnostic Laboratory, Children's Hospital of Eastern Ontario
Classification: Likely benign for Breast and/or ovarian cancer. Last evaluated: 2020-08-27. Review status: criteria provided, single submitter. Criteria: ACMG Guidelines, 2015. Collection method: clinical testing. Allele origin: germline.

Color Diagnostics, LLC DBA Color Health
Classification: Likely benign for Hereditary cancer-predisposing syndrome. Last evaluated: 2017-08-20. Review status: criteria provided, single submitter. Criteria: ACMG Guidelines, 2015. Collection method: clinical testing. Allele origin: germline.

Ambry Genetics
Classification: Likely benign for Hereditary cancer-predisposing syndrome. Last evaluated: 2015-10-11. Review status: criteria provided, single submitter. Criteria: Ambry Variant Classification Scheme 2023. Collection method: clinical testing. Allele origin: germline.

NM_000179.3(MSH6):c.1419G>T (p.Leu473=)

Gene: MSH6 (mutS homolog 6; plus strand). Cytogenetic location: 2p16.3.
Variant type: single nucleotide variant.
Coding change: c.1419G>T on transcript NM_000179.3 (MANE Select); coding-DNA position 1419, G replaced by T.
Protein change: p.Leu473=; no amino-acid change (leucine 473 retained).
Molecular consequence: synonymous variant.
Genome position (GRCh38, 1-based): chr2:47,799,402, G>T. VCF-style: chr2-47799402-G-T. GRCh37 (hg19) VCF-style: chr2-48026541-G-T.
Other names: c.1029G>T, p.Leu343= (NM_001281492.2); c.513G>T, p.Leu171= (NM_001281493.2, NM_001281494.2).
Identifiers: ClinVar variation 220463 (VCV000220463.19), dbSNP rs864622535, ClinGen allele CA348525.